The following is an entry in ClinVar:

NM_005996.4(TBX3):c.*571C>G

Gene: TBX3 (T-box transcription factor 3; minus strand). Cytogenetic location: 12q24.21.
Variant type: single nucleotide variant.
Coding change: c.*571C>G on transcript NM_005996.4 (MANE Select); 571 bases downstream of the stop codon, C replaced by G.
Molecular consequence: 3 prime UTR variant.
Genome position (GRCh38, 1-based): chr12:114,671,270, G>C on the plus strand (C>G on the coding strand, the complement: TBX3 is on the minus strand). VCF-style: chr12-114671270-G-C. GRCh37 (hg19) VCF-style: chr12-115109075-G-C.
Other names: c.*571C>G (NM_016569.4).
Identifiers: ClinVar variation 307338 (VCV000307338.6), dbSNP rs3741697, ClinGen allele CA10640342.
Genomic context (GRCh38, chr12:114,671,270, plus strand): 5'-ACATGCAAGAAGAGACCTACAGCGGCTCTGAAAACATCACAAGAATATTAAAAAGACACA[G>C]ATTTTCTTAATATAGACTAAACAAGGATGGTAGGGACTTCCCTCCCCAAACAAAGCTGCT-3'

ClinVar aggregate classification (germline): Benign. Review status: criteria provided, multiple submitters, no conflicts (2 of 4 stars). 2 submissions from 2 submitters: Benign (2). Last evaluated 2018-01-13.

Conditions:
Ulnar-mammary syndrome (UMS). Also called: SCHINZEL SYNDROME; Ulnar-mammary syndrome of Pallister; PALLISTER ULNAR-MAMMARY SYNDROME. Identifiers: Orphanet 3138, MedGen C1866994, MONDO:0008411, OMIM 181450.

Allele frequency attached by ClinVar (database versions not stated): gnomAD 0.00668 and 0.00911; TOPMed 0.00736; gnomAD exomes 0.01646; 1000 Genomes Project 30x 0.01983; 1000 Genomes Project 0.02157.
gnomAD v4.1: 2,720 of 233,580 alleles (1.2%); highest among the groups gnomAD compares: South Asian, 6.4%; 47 homozygotes.

Submissions (2):

Illumina Laboratory Services, Illumina
Classification: Benign for Ulnar-mammary syndrome. Last evaluated: 2018-01-13. Review status: criteria provided, single submitter. Criteria: ICSL Variant Classification Criteria 13 December 2019. Collection method: clinical testing. Allele origin: germline.
Comment: This variant was observed in the ICSL laboratory as part of a predisposition screen in an ostensibly healthy population. It had not been previously curated by ICSL or reported in the Human Gene Mutation Database (HGMD: prior to June 1st, 2018), and was therefore a candidate for classification through an automated scoring system. Utilizing variant allele frequency, disease prevalence and penetrance estimates, and inheritance mode, an automated score was calculated to assess if this variant is too frequent to cause the disease. Based on the score and internal cut-off values, a variant classified as benign is not then subjected to further curation. The score for this variant resulted in a classification of benign for this disease.

Breakthrough Genomics
Classification: Benign. Review status: criteria provided, single submitter. Criteria: ACMG Guidelines, 2015. Collection method: not provided. Allele origin: germline. Inheritance: Autosomal dominant inheritance. Affected: yes.